The following is an entry in ClinVar:

NM_003632.3(CNTNAP1):c.1309T>G (p.Tyr437Asp)

Gene: CNTNAP1 (contactin associated protein 1; plus strand). Cytogenetic location: 17q21.2.
Variant type: single nucleotide variant.
Coding change: c.1309T>G on transcript NM_003632.3 (MANE Select); coding-DNA position 1309, T replaced by G.
Protein change: p.Tyr437Asp; replaces tyrosine 437 with aspartic acid.
Molecular consequence: missense variant.
Genome position (GRCh38, 1-based): chr17:42,688,464, T>G. VCF-style: chr17-42688464-T-G. GRCh37 (hg19) VCF-style: chr17-40840482-T-G.
Other names: short protein forms Y437D.
Identifiers: ClinVar variation 1348176 (VCV001348176.6), dbSNP rs1370721322, ClinGen allele CA399638714.

ClinVar aggregate classification (germline): Uncertain significance (1 of 4 stars; one submission).

Allele frequency attached by ClinVar (database versions not stated): gnomAD exomes below 0.00001.
gnomAD v4.1: 1 of 1,614,178 alleles (0.000062%); no homozygotes.

Submission:

Labcorp Genetics (formerly Invitae), Labcorp
Classification: Uncertain significance. Last evaluated: 2022-06-05. Review status: criteria provided, single submitter. Criteria: Invitae Variant Classification Sherloc (09022015). Collection method: clinical testing. Allele origin: germline.
Comment: Algorithms developed to predict the effect of sequence changes on RNA splicing suggest that this variant may create or strengthen a splice site. This sequence change replaces tyrosine, which is neutral and polar, with aspartic acid, which is acidic and polar, at codon 437 of the CNTNAP1 protein (p.Tyr437Asp). This variant is present in population databases (no rsID available, gnomAD no frequency). This variant has not been reported in the literature in individuals affected with CNTNAP1-related conditions. ClinVar contains an entry for this variant (Variation ID: 1348176). Algorithms developed to predict the effect of missense changes on protein structure and function are either unavailable or do not agree on the potential impact of this missense change (SIFT: "Deleterious"; PolyPhen-2: "Benign"; Align-GVGD: "Class C0"). In summary, the available evidence is currently insufficient to determine the role of this variant in disease. Therefore, it has been classified as a Variant of Uncertain Significance.